The following is an entry in ClinVar:

NM_001042492.3(NF1):c.1583G>C (p.Gly528Ala)

Gene: NF1 (neurofibromin 1; plus strand). Cytogenetic location: 17q11.2.
Variant type: single nucleotide variant.
Coding change: c.1583G>C on transcript NM_001042492.3 (MANE Select); coding-DNA position 1583, G replaced by C.
Protein change: p.Gly528Ala; replaces glycine 528 with alanine.
Molecular consequence: missense variant.
Genome position (GRCh38, 1-based): chr17:31,219,060, G>C. VCF-style: chr17-31219060-G-C. GRCh37 (hg19) VCF-style: chr17-29546078-G-C.
Other names: c.1583G>C, p.Gly528Ala (NM_000267.4, NM_001128147.3); short protein forms G528A.
Identifiers: ClinVar variation 3404909 (VCV003404909.1).
Genomic context (GRCh38, chr17:31,219,060, plus strand): 5'-TGCAGAATCCAAGAAAACAGGGGCCCGAAACCCAAGGCAGTACAGCAGAATTAATTACAG[G>C]GCTCGTCCAACTGGTCCCTCAGTCACACATGCCAGAGATTGCTCAGGAAGCAATGGAGGT-3'
Protein context (NP_001035957.1, residues 518-538): TQGSTAELIT[Gly528Ala]LVQLVPQSHM

ClinVar aggregate classification (germline): Uncertain significance (1 of 4 stars; one submission).

Conditions:
Hereditary cancer-predisposing syndrome. Also called: Hereditary Cancer Syndrome; Tumor predisposition; Hereditary neoplastic syndrome; Neoplastic Syndromes, Hereditary. Identifiers: Orphanet 140162, MedGen C0027672, MeSH D009386, MONDO:0015356.
Cardiovascular phenotype. Identifiers: MedGen CN230736.

Submission:

Ambry Genetics
Classification: Uncertain significance for Cardiovascular phenotype; Hereditary cancer-predisposing syndrome. Last evaluated: 2024-11-10. Review status: criteria provided, single submitter. Criteria: Ambry Variant Classification Scheme 2023. Collection method: clinical testing. Allele origin: germline.
Comment: The p.G528A variant (also known as c.1583G>C), located in coding exon 14 of the NF1 gene, results from a G to C substitution at nucleotide position 1583. The glycine at codon 528 is replaced by alanine, an amino acid with similar properties. This amino acid position is conserved. In addition, this alteration is predicted to be deleterious by in silico analysis. Based on the available evidence, the clinical significance of this variant remains unclear.